The following continues an entry in ClinVar:

NM_000540.3(RYR1):c.6617C>T (p.Thr2206Met)

Gene: RYR1. ClinVar aggregate classification (germline): Pathogenic. Pathogenic (1).

Submissions 6 to 13 of 31:

Variantyx, Inc.
Classification: Pathogenic for Malignant hyperthermia, susceptibility to, 1. Last evaluated: 2025-08-14. Review status: criteria provided, single submitter. Criteria: Variantyx Assertion Criteria 2022. Collection method: clinical testing. Allele origin: germline. Inheritance: Autosomal dominant inheritance. Affected: yes. Not counted in ClinVar's aggregate classification.
Comment: Pathogenic variants in this gene have been associated with autosomal dominant susceptibility to malignant hyperthermia 1. This variant has been reported in several unrelated affected individuals (PMID: 31206373, 35666680, 19919814) (PS4_Moderate). Functional studies have shown that this variant alters RYR1 protein function (PMID: 27586648, 12220451) (PS3), and multiple computational algorithms predict a deleterious effect for this variant (REVEL score: 0.95) (PP3). Moreover, the variant lies within a known hotspot for pathogenic variants or a well-established critical functional domain of the RYR1 protein (PMID: 21118704) (PM1). It has a 0.0040% maximum allele frequency in non-founder control populations (PM2). Inheritance from an unaffected parent or a parent with unknown affected status has been reported, consistent with incomplete penetrance (PMID:31206373). Other reputable laboratories have reported this variant as pathogenic or likely pathogenic, and this classification has been validated by an expert panel in ClinVar (PP5). Based on the current evidence, this variant is classified as pathogenic for autosomal dominant susceptibility to malignant hyperthermia 1.

Institute of Immunology and Genetics Kaiserslautern
Classification: Pathogenic for King Denborough syndrome; Central core myopathy. Last evaluated: 2025-06-04. Review status: criteria provided, single submitter. Criteria: ACMG Guidelines, 2015. Collection method: clinical testing. Allele origin: germline. Affected: yes. Not counted in ClinVar's aggregate classification.
Comment: ACMG Criteria: PS3, PS4, PM2, PM5, PP1, PP3, PP5, BS2; Variant was found in heterozygous state.

Clinical Genomics Laboratory, Washington University in St. Louis
Classification: Pathogenic for Malignant hyperthermia, susceptibility to, 1. Last evaluated: 2025-05-25. Review status: criteria provided, single submitter. Criteria: ACMG Guidelines, 2015. Collection method: clinical testing. Allele origin: germline. Affected: yes. Not counted in ClinVar's aggregate classification.
Comment: The RYR1 c.6617C>T (p.Thr2206Met) variant has been reported in many individuals affected with malignant hyperthermia including individuals who had positive in vitro contracture testing (IVCT) or caffeine halothane contracture testing (CHCT) and is reported to segregate with disease in at least nine individuals (Brandom BW et al., PMID: 23558838; Brandt A et al., PMID: 10484775; Klingler W et al, PMID: 24433488; Murayama T et al., PMID: 27586648; Rueffert H et al., PMID: 12059893; Sambuughin N et al., PMID: 11575529; Snoeck M et al., PMID: 25960145; Wehner M et al., PMID: 12220451). This variant has been reported in the ClinVar database as a germline pathogenic variant by several submitters, including by the ClinGen Malignant Hyperthermia Susceptibility Variant Curation Expert Panel. This variant is only observed on 6/282,614 alleles in the general population (gnomAD v.2.1.1), indicating it is not a common variant. Computational predictors indicate that the variant is damaging, evidence that correlates with impact to RYR1 function. In support of this prediction, functional studies in a cell culture model show an increased sensitivity to RYR1 agonists and patient-derived myotubes from two related individuals showed an increased sensitivity to RYR1 agonists (Murayama T et al., PMID: 27586648; Wehner M et al., PMID: 12220451). Based on available information and the RYR1-specific malignant hyperthermia ACMG/AMP guidelines for variant interpretation (Johnston JJ et al., PMID: 33767344), this variant is classified as pathogenic.

Revvity Omics, Revvity
Classification: Pathogenic. Last evaluated: 2025-01-21. Review status: criteria provided, single submitter. Criteria: ACMG Guidelines, 2015. Collection method: clinical testing. Allele origin: germline. Not counted in ClinVar's aggregate classification.

Victorian Clinical Genetics Services, Murdoch Childrens Research Institute
Classification: Pathogenic for Malignant hyperthermia, susceptibility to, 1. Last evaluated: 2024-10-09. Review status: criteria provided, single submitter. Criteria: ACMG Guidelines, 2015. Collection method: clinical testing. Allele origin: germline. Inheritance: Autosomal dominant inheritance. Affected: yes. Not counted in ClinVar's aggregate classification.
Comment: Based on the classification scheme VCGS_Germline_v1.3.4, this variant is classified as Pathogenic. Following criteria are met: 0103 - Loss of function and gain of function are known mechanisms of disease in this gene and are associated with RYR1-related disorders (OMIM). Gain of function mechanism has been described in the context of malignant hyperthermia susceptibility 1 (MIM#145600) and autosomal dominant congenital myopathy 1A with susceptibility to malignant hyperthermia (MIM#117000). Autosomal recessive congenital myopathy 1B (MIM#255320) is associated with a loss of function mechanism (PMID: 27855725, 23919265). The mechanism of King-Denborough syndrome (MIM#619542) is unclear. (I) 0108 - This gene is associated with both recessive and dominant disease (OMIM). (I) 0200 - Variant is predicted to result in a missense amino acid change from threonine to methionine. (I) 0251 - This variant is heterozygous. (I) 0304 - Variant is present in gnomAD <0.01 (v2: 6 heterozygotes, 0 homozygotes). (SP) 0501 - Missense variant consistently predicted to be damaging by multiple in silico tools or highly conserved with a major amino acid change. (SP) 0602 - Variant is located in a hotspot region or cluster of pathogenic variants (PMID: 30406384). (SP) 0801 - This variant has strong previous evidence of pathogenicity in unrelated individuals. This variant has been identified in patients with a known positive malignant hyperthermia reaction (PMID: 31206373) and has a 3 star rating from the ClinGen MH expert panel in ClinVar. This variant has also been identified by the European Malignant Hyperthermia Group (EMHG) as causative for Malignant Hyperthermia. (SP) 1001 - This variant has strong functional evidence supporting abnormal protein function. In vitro studies demonstrated increased sensitivity to 4-chloro-m-cresol and caffeine (PMID: 12220451). (SP) 1208 - Inheritance information for this variant is not currently available in this individual. (I) Legend: (SP) - Supporting pathogenic, (I) - Information, (SB) - Supporting benign

All of Us Research Program, National Institutes of Health
Classification: Pathogenic for Malignant hyperthermia, susceptibility to, 1. Last evaluated: 2024-09-23. Review status: criteria provided, single submitter. Criteria: ACMG Guidelines, 2015. Collection method: clinical testing. Allele origin: germline. Inheritance: Autosomal dominant inheritance. Observed: 12 variant alleles, 12 heterozygotes. Not counted in ClinVar's aggregate classification.
Comment: The c.6617C>T (p.Thr2206Met) variant in the RYR1 gene, that encodes ryanodine receptor 1, has been identified in numerous unrelated individuals (>50) with personal or family history of a malignant hyperthermia reaction and a positive in-vitro contracture test (IVCT) or caffeine halothane contracture test (CHCT) result (PMID: 30236257, 12059893, 24433488, 23558838, 10484775, 25735680, 25960145, 16163667, 11575529, 12220451, 12434264, 15731587, 17081152, 18505122, 22696611, 9497245, 25268394, 31559918, ClinGen Review [ClinVar ID:12977]). This variant segregates with malignant hyperthermia syndrome (MHS) in nine individuals (PMID: 12059893, 25960145).This missense variant resides in a mutational hot spot region that contributes to MHS (PMID: 21118704). A functional study in HEK293 cells shows an increased sensitivity to RYR1 agonists (PMID: 27586648). In-silico computational prediction tools suggest that the p.Thr2206Met variant may have deleterious effect on the protein function (REVEL score: 0.95). This variant has been interpreted as pathogenic by several submitters in ClinVar database including the ClinGen expert panel (ClinVar ID: 12977). Therefore, the c.6617C>T (p.Thr2206Met) variant in the RYR1 gene is classified as pathogenic.

This study involves interpretation of variants in research participants for the purpose of population health screening. Participant phenotype was not available at the time of variant classification. Additional details can be found in publication PMID: 35346344, PMCID: PMC8962531

Ambry Genetics
Classification: Pathogenic for Inborn genetic diseases. Last evaluated: 2024-05-07. Review status: criteria provided, single submitter. Criteria: Ambry Variant Classification Scheme 2023. Collection method: clinical testing. Allele origin: germline. Not counted in ClinVar's aggregate classification.
Comment: The c.6617C>T (p.T2206M) alteration is located in exon 40 (coding exon 40) of the RYR1 gene. This alteration results from a C to T substitution at nucleotide position 6617, causing the threonine (T) at amino acid position 2206 to be replaced by a methionine (M). Based on data from gnomAD, the T allele has an overall frequency of 0.002% (6/282614) total alleles studied. The highest observed frequency was 0.005% (1/19946) of East Asian alleles. This variant was reported in multiple unrelated individuals, as well as shown to segregate with disease in two large families, with a positive in vitro contracture test (IVCT) and/or a reported malignant hyperthermia event (Manning, 1998; Wang, 2008; Brandom, 2013; Klingler, 2014; Wehner, 2002). Another alteration at the same codon, c.6617C>G (p.T2206R), has been detected in individuals with clinical features of malignant hyperthermia susceptibility (Brandt, 1999; Yeh, 2005). This amino acid position is highly conserved in available vertebrate species. This alteration is predicted to be deleterious by in silico analysis. Based on the available evidence, this alteration is classified as pathogenic.

Fulgent Genetics
Classification: Pathogenic for Central core myopathy; Malignant hyperthermia, susceptibility to, 1; Congenital multicore myopathy with external ophthalmoplegia; King Denborough syndrome. Last evaluated: 2024-05-02. Review status: criteria provided, single submitter. Criteria: ACMG Guidelines, 2015. Collection method: clinical testing. Allele origin: germline. Not counted in ClinVar's aggregate classification.